The following is an entry in ClinVar:

NM_001377540.1(SLMAP):c.1271C>T (p.Thr424Ile)

Gene: SLMAP (sarcolemma associated protein; plus strand). Cytogenetic location: 3p14.3.
Variant type: single nucleotide variant.
Coding change: c.1271C>T on transcript NM_001377540.1 (MANE Select); coding-DNA position 1271, C replaced by T.
Protein change: p.Thr424Ile; replaces threonine 424 with isoleucine.
Molecular consequence: missense variant. On other transcripts: non-coding transcript variant (1), intron variant (9).
Genome position (GRCh38, 1-based): chr3:57,871,669, C>T. VCF-style: chr3-57871669-C-T. GRCh37 (hg19) VCF-style: chr3-57857396-C-T.
Other names: c.1220C>T, p.Thr407Ile (NM_001304420.3, NM_001377541.1, NM_001377542.1 and 2 more transcripts); c.1271C>T, p.Thr424Ile (NM_001377538.1, NM_001377539.1, NM_001377555.1); c.1169C>T, p.Thr390Ile (NM_001377549.1, NM_001377923.1, NM_007159.5); c.1237+6377C>T (NM_001377545.1, NM_001377922.1); c.1186+6812C>T (NM_001377552.1, NM_001377551.1, NM_001377924.1); c.1135+6953C>T (NM_001377559.1, NM_001377557.1, NM_001377925.1 and 1 more transcripts); short protein forms T390I, T407I, T424I.
Identifiers: ClinVar variation 1362142 (VCV001362142.11), dbSNP rs1423544190, ClinGen allele CA353410089.

ClinVar aggregate classification (germline): Uncertain significance. Review status: criteria provided, multiple submitters, no conflicts (2 of 4 stars). 2 submissions from 2 submitters: Uncertain significance (2). Last evaluated 2024-09-11.

Conditions:
Brugada syndrome. Also called: Sudden Unexplained Death Syndrome; Sudden Unexplained Nocturnal Death Syndrome (SUNDS); Sudden unexpected nocturnal death syndrome; Sudden unexplained nocturnal death syndrome. Identifiers: Orphanet 130, MedGen C1142166, MONDO:0015263.

Allele frequency attached by ClinVar (database versions not stated): gnomAD exomes below 0.00001; gnomAD 0.00001; TOPMed 0.00002.
gnomAD v4.1: 8 of 1,612,420 alleles (0.0005%); highest among the groups gnomAD compares: Admixed American, 0.005%; no homozygotes.

Submissions (2):

Ambry Genetics
Classification: Uncertain significance. Last evaluated: 2024-09-11. Review status: criteria provided, single submitter. Criteria: Ambry Variant Classification Scheme 2023. Collection method: clinical testing. Allele origin: germline.
Comment: The p.T390I variant (also known as c.1169C>T), located in coding exon 11 of the SLMAP gene, results from a C to T substitution at nucleotide position 1169. The threonine at codon 390 is replaced by isoleucine, an amino acid with similar properties. This amino acid position is conserved. In addition, the in silico prediction for this alteration is inconclusive. Since supporting evidence is limited at this time, the clinical significance of this alteration remains unclear.

Labcorp Genetics (formerly Invitae), Labcorp
Classification: Uncertain significance for Brugada syndrome. Last evaluated: 2024-03-30. Review status: criteria provided, single submitter. Criteria: Invitae Variant Classification Sherloc (09022015). Collection method: clinical testing. Allele origin: germline.
Comment: This sequence change replaces threonine, which is neutral and polar, with isoleucine, which is neutral and non-polar, at codon 390 of the SLMAP protein (p.Thr390Ile). This variant is present in population databases (no rsID available, gnomAD 0.003%). This variant has not been reported in the literature in individuals affected with SLMAP-related conditions. ClinVar contains an entry for this variant (Variation ID: 1362142). An algorithm developed to predict the effect of missense changes on protein structure and function (PolyPhen-2) suggests that this variant is likely to be tolerated. In summary, the available evidence is currently insufficient to determine the role of this variant in disease. Therefore, it has been classified as a Variant of Uncertain Significance.